The following is an entry in ClinVar:

NM_020779.4(WDR35):c.1053T>C (p.Pro351=)

Gene: WDR35 (WD repeat domain 35; minus strand). Cytogenetic location: 2p24.1.
Variant type: single nucleotide variant.
Coding change: c.1053T>C on transcript NM_020779.4 (MANE Select); coding-DNA position 1053, T replaced by C.
Protein change: p.Pro351=; no amino-acid change (proline 351 retained).
Molecular consequence: synonymous variant.
Genome position (GRCh38, 1-based): chr2:19,966,865, A>G on the plus strand (T>C on the coding strand, the complement: WDR35 is on the minus strand). VCF-style: chr2-19966865-A-G. GRCh37 (hg19) VCF-style: chr2-20166626-A-G.
Other names: c.1053T>C, p.Pro351= (NM_001006657.2).
Identifiers: ClinVar variation 333398 (VCV000333398.15), dbSNP rs74385826, ClinGen allele CA1543355.

ClinVar aggregate classification (germline): Conflicting classifications of pathogenicity. Review status: criteria provided, conflicting classifications (1 of 4 stars). 5 submissions from 4 submitters: Uncertain significance (2); Benign (1); Likely benign (1). 1 of the submissions does not count toward it. Last evaluated 2024-09-16.

Conditions:
Cranioectodermal dysplasia 2 (CED2). Identifiers: Orphanet 1515, MedGen C3150874, MONDO:0013323, OMIM 613610.
WDR35-related disorder. Also called: WDR35-related condition; WDR35-related disorders. Identifiers: MedGen CN239419.
Short-rib thoracic dysplasia 7 with or without polydactyly (SRTD7). Also called: SHORT-RIB THORACIC DYSPLASIA 7 WITH POLYDACTYLY; Short rib polydactyly syndrome 5. Identifiers: Orphanet 498497, Orphanet 93271, MedGen C3279792, MONDO:0013569, OMIM 614091.

Allele frequency attached by ClinVar (database versions not stated): gnomAD 0.00004 and 0.00007; gnomAD exomes 0.00009 and 0.00020; TOPMed 0.00014; ExAC 0.00016; 1000 Genomes Project 30x 0.00047; 1000 Genomes Project 0.00060.
gnomAD v4.1: 143 of 1,613,946 alleles (0.0089%); highest among the groups gnomAD compares: East Asian, 0.28%; no homozygotes.

Submissions (5):

Labcorp Genetics (formerly Invitae), Labcorp
Classification: Benign for Cranioectodermal dysplasia 2; Short-rib thoracic dysplasia 7 with or without polydactyly. Last evaluated: 2024-09-16. Review status: criteria provided, single submitter. Criteria: Invitae Variant Classification Sherloc (09022015). Collection method: clinical testing. Allele origin: germline.

Blueprint Genetics
Classification: Likely benign. Last evaluated: 2024-08-30. Review status: criteria provided, single submitter. Criteria: ACMG Guidelines, 2015. Collection method: clinical testing. Allele origin: germline.

Illumina Laboratory Services, Illumina
Classification: Uncertain significance for Cranioectodermal dysplasia 2. Last evaluated: 2018-01-12. Review status: criteria provided, single submitter. Criteria: ICSL Variant Classification Criteria 13 December 2019. Collection method: clinical testing. Allele origin: germline.

Illumina Laboratory Services, Illumina
Classification: Uncertain significance for Short-rib thoracic dysplasia 7 with or without polydactyly. Last evaluated: 2018-01-12. Review status: criteria provided, single submitter. Criteria: ICSL Variant Classification Criteria 13 December 2019. Collection method: clinical testing. Allele origin: germline.

PreventionGenetics, part of Exact Sciences
Classification: Likely benign for WDR35-related condition. Last evaluated: 2019-09-04. Review status: no assertion criteria provided. Collection method: clinical testing. Allele origin: germline. Not counted in ClinVar's aggregate classification.
Comment: This variant is classified as likely benign based on ACMG/AMP sequence variant interpretation guidelines (Richards et al. 2015 PMID: 25741868, with internal and published modifications).